The following is an entry in ClinVar:

ClinVar aggregate classification (germline): Benign/Likely benign. Review status: criteria provided, multiple submitters, no conflicts (2 of 4 stars). 3 submissions from 3 submitters: Benign (1); Likely benign (2). Last evaluated 2026-07-15.

Conditions:
Hereditary cancer-predisposing syndrome. Also called: Hereditary Cancer Syndrome; Hereditary neoplastic syndrome; Neoplastic Syndromes, Hereditary; Tumor predisposition. Identifiers: Orphanet 140162, MedGen C0027672, MeSH D009386, MONDO:0015356.
Rhabdoid tumor predisposition syndrome 2 (RTPS2). Identifiers: Orphanet 231108, Orphanet 69077, MedGen C2750074, MONDO:0013224, OMIM 613325.

Submissions (3):

Myriad Genetics, Inc.
Classification: Benign for Rhabdoid tumor predisposition syndrome 2. Last evaluated: 2026-07-15. Review status: criteria provided, single submitter. Criteria: Myriad Autosomal Dominant, Autosomal Recessive and X-Linked Classification Criteria (2023). Collection method: clinical testing. Allele origin: unknown.
Comment: This variant is considered benign. This variant is a silent/synonymous amino acid change and it is not expected to impact splicing.

Labcorp Genetics (formerly Invitae), Labcorp
Classification: Likely benign for Rhabdoid tumor predisposition syndrome 2. Last evaluated: 2025-09-24. Review status: criteria provided, single submitter. Criteria: Invitae Variant Classification Sherloc (09022015). Collection method: clinical testing. Allele origin: germline.

Ambry Genetics
Classification: Likely benign for Hereditary cancer-predisposing syndrome. Last evaluated: 2023-06-24. Review status: criteria provided, single submitter. Criteria: Ambry Variant Classification Scheme 2023. Collection method: clinical testing. Allele origin: germline.

NM_003072.5(SMARCA4):c.3868C>T (p.Leu1290=)

Gene: SMARCA4 (SWI/SNF related BAF chromatin remodeling complex subunit ATPase 4; plus strand). Cytogenetic location: 19p13.2.
Variant type: single nucleotide variant.
Coding change: c.3868C>T on transcript NM_003072.5 (MANE Select); coding-DNA position 3868, C replaced by T.
Protein change: p.Leu1290=; no amino-acid change (leucine 1290 retained).
Molecular consequence: synonymous variant. On other transcripts: intron variant (5).
Genome position (GRCh38, 1-based): chr19:11,033,860, C>T. VCF-style: chr19-11033860-C-T. GRCh37 (hg19) VCF-style: chr19-11144536-C-T.
Other names: c.3868C>T, p.Leu1290= (NM_001128844.3, NM_001128849.3, NM_001387283.1); c.3775-263C>T (NM_001128847.4, NM_001374457.1, NM_001128845.2 and 2 more transcripts); c.3868C>T (NM_001128849.1).
Identifiers: ClinVar variation 1112437 (VCV001112437.11), dbSNP rs1555784851, ClinGen allele CA505743779.